The following is an entry in ClinVar:

NM_000152.5(GAA):c.1910_1918del (p.Leu637_Val639del)

Gene: GAA (alpha glucosidase; plus strand). Cytogenetic location: 17q25.3.
Variant type: Deletion.
Coding change: c.1910_1918del on transcript NM_000152.5 (MANE Select); coding-DNA positions 1910 to 1918, 9 bases deleted (TGGGGGTGC; older notation c.1910_1918delTGGGGGTGC).
Protein change: p.Leu637_Val639del.
Molecular consequence: inframe deletion.
Genome position (GRCh38, 1-based): chr17:80,112,897-80,112,905, TGGGGGTGC deleted; deleting any 9 consecutive bases within chr17:80,112,894-80,112,905 gives the same sequence; the c. name uses the placement nearest the transcript's 3' end. VCF-style (leftmost placement, unchanged base first): chr17-80112893-CTGCTGGGGG-C. GRCh37 (hg19) VCF-style: chr17-78086692-CTGCTGGGGG-C.
Other names: c.1910_1918del, p.Leu637_Val639del (NM_001079803.3, NM_001079804.3).
Identifiers: ClinVar variation 810667 (VCV000810667.5), dbSNP rs2039275157, ClinGen allele CA916082440.

ClinVar aggregate classification (germline): Uncertain significance. Review status: criteria provided, single submitter (1 of 4 stars). 3 submissions from 3 submitters: Uncertain significance (1). 2 of the submissions do not count toward it. Last evaluated 2026-07-01.

Conditions:
Glycogen storage disease, type II (IOPD). Also called: Glycogen storage disease type 2; Acid maltase deficiency disease; Aglucosidase alfa; Deficiency of alpha-glucosidase; Deficiency of lysosomal alpha-glucosidase; POMPE DISEASE, INFANTILE-ONSET. Identifiers: Orphanet 365, MedGen C0017921, MONDO:0009290, OMIM 232300.
Glycogen storage disease due to acid maltase deficiency, late-onset (LOPD). Also called: POMPE DISEASE, LATE-ONSET; GLYCOGEN STORAGE DISEASE II, LATE-ONSET; ACID ALPHA-GLUCOSIDASE DEFICIENCY, LATE-ONSET; GAA DEFICIENCY, LATE-ONSET; ACID MALTASE DEFICIENCY, LATE-ONSET; AMD, LATE-ONSET. Identifiers: Orphanet 420429, MedGen C0342753, MONDO:0018485, OMIM 621314.

Submissions (3):

Genomenon, Inc
Classification: Uncertain significance for Glycogen storage disease, type II. Last evaluated: 2026-07-01. Review status: criteria provided, single submitter. Criteria: Genomenon Sequence Variant Interpretation Standards - Updated. Collection method: curation. Allele origin: germline. Affected: yes.
Comment: GAA p.Leu637_Val639del (c.1910_1918del) is an in-frame deletion that results in the loss of multiple amino acids, from Leucine at codon 637 to Valine at codon 639. This variant has been observed in at least one proband with a GAA-related disorder in the compound heterozygous and/or homozygous state (PMID:32012848). It is absent or not present at a significant frequency in gnomAD. In conclusion, we classify GAA p.Leu637_Val639del (c.1910_1918del) as a variant of uncertain significance.

OMIM
Classification: Pathogenic for POMPE DISEASE, LATE-ONSET. Last evaluated: 2025-10-23. Review status: no assertion criteria provided. Collection method: literature only. Allele origin: germline. Not counted in ClinVar's aggregate classification.

Molecular Therapies Laboratory, Murdoch University
Classification: Pathogenic for Glycogen storage disease, type II. Review status: no assertion criteria provided. Collection method: clinical testing. Allele origin: germline. Affected: yes. Observed: 1 variant allele. Not counted in ClinVar's aggregate classification.
Comment: Low GAA enzyme activity (<0.1 units); urine tetrasaccharides elevated (150 units); respiratory functions normal

Literature cited by the submitters: PubMed 32012848 (cited by 3 submitters); PubMed 32317649 (cited by Molecular Therapies Laboratory, Murdoch University).